The following is an entry in ClinVar:

NM_001288705.3(CSF1R):c.95T>G (p.Val32Gly)

Gene: CSF1R (colony stimulating factor 1 receptor; minus strand). Cytogenetic location: 5q32.
Variant type: single nucleotide variant.
Coding change: c.95T>G on transcript NM_001288705.3 (MANE Select); coding-DNA position 95, T replaced by G.
Protein change: p.Val32Gly; replaces valine 32 with glycine.
Molecular consequence: missense variant. On other transcripts: 5 prime UTR variant (1), non-coding transcript variant (2).
Genome position (GRCh38, 1-based): chr5:150,080,979, A>C on the plus strand (T>G on the coding strand, the complement: CSF1R is on the minus strand). VCF-style: chr5-150080979-A-C. GRCh37 (hg19) VCF-style: chr5-149460542-A-C.
Other names: c.95T>G, p.Val32Gly (NM_001349736.2, NM_001375320.1, NM_005211.4); c.-350T>G (NM_001375321.1); short protein forms V32G.
Identifiers: ClinVar variation 352178 (VCV000352178.59), dbSNP rs56048668, ClinGen allele CA3507281.

ClinVar aggregate classification (germline): Benign/Likely benign. Review status: criteria provided, multiple submitters, no conflicts (2 of 4 stars). 10 submissions from 10 submitters: Benign (3); Likely benign (4). 3 of the submissions do not count toward it. Last evaluated 2026-07-01.

Conditions:
Hereditary diffuse leukoencephalopathy with spheroids. Also called: LEUKOENCEPHALOPATHY, ADULT-ONSET, WITH AXONAL SPHEROIDS AND PIGMENTED GLIA. Identifiers: Orphanet 313808, MedGen C3711381, MONDO:0030796.
CSF1R-related disorder. Also called: CSF1R-related condition. Identifiers: MedGen CN379780, MONDO:0100632.

Allele frequency attached by ClinVar (database versions not stated): 1000 Genomes Project 0.00160; 1000 Genomes Project 30x 0.00187; gnomAD 0.00321 and 0.00332; gnomAD exomes 0.00338; ExAC 0.00341; TOPMed 0.00412; ESP Exome Variant Server 0.00461.
gnomAD v4.1: 8,051 of 1,614,060 alleles (0.5%); highest among the groups gnomAD compares: Non-Finnish European, 0.62%; 31 homozygotes.

Submissions (10):

CeGaT Center for Human Genetics Tuebingen
Classification: Likely benign. Last evaluated: 2026-07-01. Review status: criteria provided, single submitter. Criteria: CeGaT Center For Human Genetics Tuebingen Variant Classification Criteria Version 2. Collection method: clinical testing. Allele origin: germline. Affected: yes. Observed: 22 variant alleles.
Comment: CSF1R: BP4, BS2

Labcorp Genetics (formerly Invitae), Labcorp
Classification: Benign. Last evaluated: 2026-01-31. Review status: criteria provided, single submitter. Criteria: Invitae Variant Classification Sherloc (09022015). Collection method: clinical testing. Allele origin: germline.

Women's Health and Genetics/Laboratory Corporation of America, LabCorp
Classification: Likely benign. Last evaluated: 2026-01-05. Review status: criteria provided, single submitter. Criteria: LabCorp Variant Classification Summary - May 2015. Collection method: clinical testing. Allele origin: germline.
Comment: Variant summary: CSF1R c.95T>G (p.Val32Gly) results in a non-conservative amino acid change in the encoded protein sequence. Algorithms developed to predict the effect of missense changes on protein structure and function are either unavailable or do not agree on the potential impact of this missense change. The variant allele was found at a frequency of 0.0034 in 250958 control chromosomes in the gnomAD database, including 2 homozygotes. The observed variant frequency exceeds the estimated maximal expected allele frequency for disease-causing variants in CSF1R. To our knowledge, no experimental evidence demonstrating the variant's impact on protein function has been reported. ClinVar contains an entry for this variant (Variation ID: 352178). Based on the evidence outlined above, the variant was classified as likely benign.

Blueprint Genetics
Classification: Likely benign. Last evaluated: 2024-11-25. Review status: criteria provided, single submitter. Criteria: ACMG Guidelines, 2015. Collection method: clinical testing. Allele origin: germline.

Mayo Clinic Laboratories, Mayo Clinic
Classification: Benign. Last evaluated: 2023-11-06. Review status: criteria provided, single submitter. Criteria: ACMG Guidelines, 2015. Collection method: clinical testing. Allele origin: germline. Observed: 12 variant alleles.
Comment: BA1

Illumina Laboratory Services, Illumina
Classification: Benign for Leukoencephalopathy, diffuse hereditary, with spheroids 1. Last evaluated: 2018-01-12. Review status: criteria provided, single submitter. Criteria: ICSL Variant Classification Criteria 13 December 2019. Collection method: clinical testing. Allele origin: germline.
Comment: This variant was observed in the ICSL laboratory as part of a predisposition screen in an ostensibly healthy population. It had not been previously curated by ICSL or reported in the Human Gene Mutation Database (HGMD: prior to June 1st, 2018), and was therefore a candidate for classification through an automated scoring system. Utilizing variant allele frequency, disease prevalence and penetrance estimates, and inheritance mode, an automated score was calculated to assess if this variant is too frequent to cause the disease. Based on the score and internal cut-off values, a variant classified as benign is not then subjected to further curation. The score for this variant resulted in a classification of benign for this disease.

Breakthrough Genomics
Classification: Likely benign. Review status: criteria provided, single submitter. Criteria: ACMG Guidelines, 2015. Collection method: not provided. Allele origin: germline. Inheritance: Autosomal recessive inheritance. Affected: yes.

PreventionGenetics, part of Exact Sciences
Classification: Likely benign for CSF1R-related condition. Last evaluated: 2019-04-01. Review status: no assertion criteria provided. Collection method: clinical testing. Allele origin: germline. Not counted in ClinVar's aggregate classification.
Comment: This variant is classified as likely benign based on ACMG/AMP sequence variant interpretation guidelines (Richards et al. 2015 PMID: 25741868, with internal and published modifications).

Clinical Genetics DNA and cytogenetics Diagnostics Lab, Erasmus MC, Erasmus Medical Center
Classification: Likely benign. Review status: no assertion criteria provided. Collection method: clinical testing. Allele origin: germline. Affected: yes. Study: VKGL Data-share Consensus. Not counted in ClinVar's aggregate classification.

Genome Diagnostics Laboratory, Amsterdam University Medical Center
Classification: Benign. Review status: no assertion criteria provided. Collection method: clinical testing. Allele origin: germline. Affected: yes. Study: VKGL Data-share Consensus. Not counted in ClinVar's aggregate classification.